The following is an entry in ClinVar:

NM_005359.6(SMAD4):c.1308+9C>T

Gene: SMAD4 (SMAD family member 4; plus strand). Cytogenetic location: 18q21.2.
Variant type: single nucleotide variant.
Coding change: c.1308+9C>T on transcript NM_005359.6 (MANE Select); 9 bases into the intron after coding-DNA position 1308, C replaced by T.
Molecular consequence: intron variant.
Genome position (GRCh38, 1-based): chr18:51,067,196, C>T. VCF-style: chr18-51067196-C-T. GRCh37 (hg19) VCF-style: chr18-48593566-C-T.
Identifiers: ClinVar variation 1666776 (VCV001666776.9), dbSNP rs1057522058, ClinGen allele CA2573155364.
Genomic context (GRCh38, chr18:51,067,196, plus strand): 5'-GCGTGCACCTGGAGATGCTGTTCATAAGATCTACCCAAGTGCATATATAAAGGTTAGTTA[C>T]AATTTTATTTGAATATTTTAGACTTAAAGCTCTATTTGTTGTCAAAAGAATTGAAATCTG-3'

ClinVar aggregate classification (germline): Likely benign. Review status: criteria provided, multiple submitters, no conflicts (2 of 4 stars). 2 submissions from 2 submitters: Likely benign (2). Last evaluated 2025-03-21.

Conditions:
Juvenile polyposis syndrome (JPS). Identifiers: Orphanet 2929, MedGen C0345893, MONDO:0017380, OMIM 174900.
Juvenile polyposis/hereditary hemorrhagic telangiectasia syndrome (JPHT). Also called: Juvenile Polyposis Syndrome / Hereditary Hemorrhagic Telangiectasia (JPS/HHT); JP/HHT SYNDROME; JUVENILE POLYPOSIS WITH HEREDITARY HEMORRHAGIC TELANGIECTASIA; POLYPOSIS, GENERALIZED JUVENILE, WITH PULMONARY ARTERIOVENOUS MALFORMATION; TELANGIECTASIA, HEREDITARY HEMORRHAGIC, WITH JUVENILE POLYPOSIS COLI. Identifiers: Orphanet 2929, MedGen C1832942, MONDO:0008278, OMIM 175050.

Submissions (2):

Myriad Genetics, Inc.
Classification: Likely benign for Juvenile polyposis/hereditary hemorrhagic telangiectasia syndrome. Last evaluated: 2025-03-21. Review status: criteria provided, single submitter. Criteria: Myriad Autosomal Dominant, Autosomal Recessive and X-Linked Classification Criteria (2023). Collection method: clinical testing. Allele origin: unknown.
Comment: This variant is considered likely benign. This variant is intronic and is not expected to impact mRNA splicing.

Labcorp Genetics (formerly Invitae), Labcorp
Classification: Likely benign for Juvenile polyposis syndrome. Last evaluated: 2020-12-23. Review status: criteria provided, single submitter. Criteria: Invitae Variant Classification Sherloc (09022015). Collection method: clinical testing. Allele origin: germline.